The following is an entry in ClinVar:

ClinVar aggregate classification (germline): Uncertain significance (1 of 4 stars; one submission).

Conditions:
Hereditary cancer-predisposing syndrome. Also called: Tumor predisposition; Neoplastic Syndromes, Hereditary; Hereditary Cancer Syndrome; Hereditary neoplastic syndrome. Identifiers: Orphanet 140162, MedGen C0027672, MeSH D009386, MONDO:0015356.

Submission:

Ambry Genetics
Classification: Uncertain significance for Hereditary cancer-predisposing syndrome. Last evaluated: 2021-06-20. Review status: criteria provided, single submitter. Criteria: Ambry Variant Classification Scheme 2023. Collection method: clinical testing. Allele origin: germline.
Comment: The p.R337P variant (also known as c.1010G>C), located in coding exon 7 of the ATM gene, results from a G to C substitution at nucleotide position 1010. The arginine at codon 337 is replaced by proline, an amino acid with dissimilar properties. This amino acid position is conserved. In addition, the in silico prediction for this alteration is inconclusive. Since supporting evidence is limited at this time, the clinical significance of this alteration remains unclear.

NM_000051.4(ATM):c.1010G>C (p.Arg337Pro)

Gene: ATM (ATM serine/threonine kinase; plus strand). Cytogenetic location: 11q22.3.
Variant type: single nucleotide variant.
Coding change: c.1010G>C on transcript NM_000051.4 (MANE Select); coding-DNA position 1010, G replaced by C.
Protein change: p.Arg337Pro; replaces arginine 337 with proline.
Molecular consequence: missense variant.
Genome position (GRCh38, 1-based): chr11:108,247,072, G>C. VCF-style: chr11-108247072-G-C. GRCh37 (hg19) VCF-style: chr11-108117799-G-C.
Other names: c.1010G>C, p.Arg337Pro (NM_001351834.2); short protein forms R337P.
Identifiers: ClinVar variation 1728214 (VCV001728214.2), dbSNP rs202160435, ClinGen allele CA382531420.